The following is an entry in ClinVar:

NM_004656.4(BAP1):c.1609A>C (p.Ser537Arg)

Gene: BAP1 (BRCA1 associated deubiquitinase 1; minus strand). Cytogenetic location: 3p21.1.
Variant type: single nucleotide variant.
Coding change: c.1609A>C on transcript NM_004656.4 (MANE Select); coding-DNA position 1609, A replaced by C.
Protein change: p.Ser537Arg; replaces serine 537 with arginine.
Molecular consequence: missense variant.
Genome position (GRCh38, 1-based): chr3:52,403,536, T>G on the plus strand (A>C on the coding strand, the complement: BAP1 is on the minus strand). VCF-style: chr3-52403536-T-G. GRCh37 (hg19) VCF-style: chr3-52437552-T-G.
Other names: c.1555A>C, p.Ser519Arg (NM_001410772.1); short protein forms S519R, S537R.
Identifiers: ClinVar variation 2764861 (VCV002764861.3), dbSNP rs747109385, ClinGen allele CA353100351.

ClinVar aggregate classification (germline): Uncertain significance (1 of 4 stars; one submission).

Conditions:
BAP1-related tumor predisposition syndrome (TPDS1). Also called: TUMOR PREDISPOSITION SYNDROME 1; COMMON Syndrome; Tumor susceptibility linked to germline BAP1 mutations; BAP1 tumor predisposition syndrome. Identifiers: Orphanet 289539, MedGen C3280492, MONDO:0013692, OMIM 614327.

Submission:

Labcorp Genetics (formerly Invitae), Labcorp
Classification: Uncertain significance for BAP1-related tumor predisposition syndrome. Last evaluated: 2023-10-09. Review status: criteria provided, single submitter. Criteria: Invitae Variant Classification Sherloc (09022015). Collection method: clinical testing. Allele origin: germline.
Comment: This sequence change replaces serine, which is neutral and polar, with arginine, which is basic and polar, at codon 537 of the BAP1 protein (p.Ser537Arg). This variant is not present in population databases (gnomAD no frequency). This variant has not been reported in the literature in individuals affected with BAP1-related conditions. An algorithm developed to predict the effect of missense changes on protein structure and function (PolyPhen-2) suggests that this variant is likely to be tolerated. In summary, the available evidence is currently insufficient to determine the role of this variant in disease. Therefore, it has been classified as a Variant of Uncertain Significance.